The following is an entry in ClinVar:

ClinVar aggregate classification (germline): Uncertain significance (1 of 4 stars; one submission).

Conditions:
Symmetrical dyschromatosis of extremities (DSH). Also called: DYSCHROMATOSIS SYMMETRICA HEREDITARIA 1; RETICULATE ACROPIGMENTATION OF DOHI; SYMMETRIC DYSCHROMATOSIS OF THE EXTREMITIES; Dyschromatosis symmetrica hereditaria. Identifiers: Orphanet 41, MedGen C0406775, MONDO:0007483, OMIM 127400.
Aicardi-Goutieres syndrome 6 (AGS6). Identifiers: Orphanet 51, MedGen C3539013, MONDO:0014007, OMIM 615010.

Submission:

Labcorp Genetics (formerly Invitae), Labcorp
Classification: Uncertain significance for Aicardi-Goutieres syndrome 6; Symmetrical dyschromatosis of extremities. Last evaluated: 2023-06-14. Review status: criteria provided, single submitter. Criteria: Invitae Variant Classification Sherloc (09022015). Collection method: clinical testing. Allele origin: germline.
Comment: This variant is not present in population databases (gnomAD no frequency). In summary, the available evidence is currently insufficient to determine the role of this variant in disease. Therefore, it has been classified as a Variant of Uncertain Significance. Advanced modeling of protein sequence and biophysical properties (such as structural, functional, and spatial information, amino acid conservation, physicochemical variation, residue mobility, and thermodynamic stability) has been performed at Invitae for this missense variant, however the output from this modeling did not meet the statistical confidence thresholds required to predict the impact of this variant on ADAR protein function. This variant has not been reported in the literature in individuals affected with ADAR-related conditions. This sequence change replaces glycine, which is neutral and non-polar, with serine, which is neutral and polar, at codon 1144 of the ADAR protein (p.Gly1144Ser).

NM_001111.5(ADAR):c.3430G>A (p.Gly1144Ser)

Gene: ADAR (adenosine deaminase RNA specific; minus strand). Cytogenetic location: 1q21.3.
Variant type: single nucleotide variant.
Coding change: c.3430G>A on transcript NM_001111.5 (MANE Select); coding-DNA position 3430, G replaced by A.
Protein change: p.Gly1144Ser; replaces glycine 1144 with serine.
Molecular consequence: missense variant.
Genome position (GRCh38, 1-based): chr1:154,585,230, C>T on the plus strand (G>A on the coding strand, the complement: ADAR is on the minus strand). VCF-style: chr1-154585230-C-T. GRCh37 (hg19) VCF-style: chr1-154557706-C-T.
Other names: c.2545G>A, p.Gly849Ser (NM_001025107.3, NM_001193495.2, NM_001365046.1 and 2 more transcripts); c.3457G>A, p.Gly1153Ser (NM_001365045.1); c.2467G>A, p.Gly823Ser (NM_001365049.1); c.3352G>A, p.Gly1118Ser (NM_015840.4); c.3295G>A, p.Gly1099Ser (NM_015841.4); short protein forms G1099S, G1118S, G1153S, G1144S, G849S, G823S.
Identifiers: ClinVar variation 2944860 (VCV002944860.3), dbSNP rs2526449026, ClinGen allele CA342634983.